The following is an entry in ClinVar:

ClinVar aggregate classification (germline): Uncertain significance (1 of 4 stars; one submission).

Conditions:
Inborn genetic diseases. Identifiers: MedGen C0950123, MeSH D030342.

Submission:

Ambry Genetics
Classification: Uncertain significance for Inborn genetic diseases. Last evaluated: 2024-08-21. Review status: criteria provided, single submitter. Criteria: Ambry Variant Classification Scheme 2023. Collection method: clinical testing. Allele origin: germline.
Comment: The c.976G>T (p.V326F) alteration is located in exon 9 (coding exon 8) of the RAD21 gene. This alteration results from a G to T substitution at nucleotide position 976, causing the valine (V) at amino acid position 326 to be replaced by a phenylalanine (F). This variant was not reported in population-based cohorts in the Genome Aggregation Database (gnomAD). This amino acid position is highly conserved in available vertebrate species. This alteration is predicted to be deleterious by in silico analysis. Based on insufficient or conflicting evidence, the clinical significance of this alteration remains unclear.

NM_006265.3(RAD21):c.976G>T (p.Val326Phe)

Gene: RAD21 (RAD21 cohesin complex component; minus strand). Cytogenetic location: 8q24.11.
Variant type: single nucleotide variant.
Coding change: c.976G>T on transcript NM_006265.3 (MANE Select); coding-DNA position 976, G replaced by T.
Protein change: p.Val326Phe; replaces valine 326 with phenylalanine.
Molecular consequence: missense variant.
Genome position (GRCh38, 1-based): chr8:116,854,430, C>A on the plus strand (G>T on the coding strand, the complement: RAD21 is on the minus strand). VCF-style: chr8-116854430-C-A. GRCh37 (hg19) VCF-style: chr8-117866669-C-A.
Other names: short protein forms V326F.
Identifiers: ClinVar variation 986222 (VCV000986222.3), dbSNP rs1812420919, ClinGen allele CA372001795.